The following is an entry in ClinVar:

NM_001128840.3(CACNA1D):c.3916-8C>A

Gene: CACNA1D (calcium voltage-gated channel subunit alpha1 D; plus strand). Cytogenetic location: 3p21.1.
Variant type: single nucleotide variant.
Coding change: c.3916-8C>A on transcript NM_001128840.3 (MANE Select); 8 bases into the intron before coding-DNA position 3916, C replaced by A.
Molecular consequence: intron variant.
Genome position (GRCh38, 1-based): chr3:53,770,416, C>A. VCF-style: chr3-53770416-C-A. GRCh37 (hg19) VCF-style: chr3-53804443-C-A.
Other names: c.3871-8C>A (NM_001128839.3); c.3976-8C>A (NM_000720.4).
Identifiers: ClinVar variation 1920775 (VCV001920775.6), dbSNP rs755525690, ClinGen allele CA2454744.
Genomic context (GRCh38, chr3:53,770,416, plus strand): 5'-CTGTTTTTCTGAAAGTGTTGCATGTTCTACTTTCCATTGGGTTTGACCTCTCCATGATAA[C>A]CCTTCAGAACTCTGAAGAGAGCAATAGAATCTCCATCACCTTTTTCCGTCTTTTCCGAGT-3'

ClinVar aggregate classification (germline): Conflicting classifications of pathogenicity. Review status: criteria provided, conflicting classifications (1 of 4 stars). 2 submissions from 2 submitters: Uncertain significance (1); Likely benign (1). Last evaluated 2025-05-19.

Allele frequency attached by ClinVar (database versions not stated): TOPMed below 0.00001; ExAC 0.00001.
gnomAD v4.1: 4 of 1,613,732 alleles (0.00025%); highest among the groups gnomAD compares: African/African-American, 0.0013%; no homozygotes.

Submissions (2):

Labcorp Genetics (formerly Invitae), Labcorp
Classification: Likely benign. Last evaluated: 2025-05-19. Review status: criteria provided, single submitter. Criteria: Invitae Variant Classification Sherloc (09022015). Collection method: clinical testing. Allele origin: germline.

GeneDx
Classification: Uncertain significance. Last evaluated: 2025-03-04. Review status: criteria provided, single submitter. Criteria: GeneDx Variant Classification Process June 2021. Collection method: clinical testing. Allele origin: germline. Affected: yes.
Comment: In silico analysis indicates that this variant does not alter splicing; Has not been previously published as pathogenic or benign to our knowledge